The following is an entry in ClinVar:

NM_000236.3(LIPC):c.672C>G (p.Thr224=)

Gene: LIPC (lipase C, hepatic type; plus strand). Cytogenetic location: 15q21.3.
Variant type: single nucleotide variant.
Coding change: c.672C>G on transcript NM_000236.3 (MANE Select); coding-DNA position 672, C replaced by G.
Protein change: p.Thr224=; no amino-acid change (threonine 224 retained).
Molecular consequence: synonymous variant.
Genome position (GRCh38, 1-based): chr15:58,545,839, C>G. VCF-style: chr15-58545839-C-G. GRCh37 (hg19) VCF-style: chr15-58838038-C-G.
Other names: p.Thr224=.
Identifiers: ClinVar variation 316666 (VCV000316666.19), dbSNP rs6084, ClinGen allele CA7584954.

ClinVar aggregate classification (germline): Benign. Review status: criteria provided, multiple submitters, no conflicts (2 of 4 stars). 7 submissions from 7 submitters: Benign (5). 2 of the submissions do not count toward it. Last evaluated 2026-02-04.

Conditions:
Hyperlipidemia due to hepatic triglyceride lipase deficiency. Also called: LIPC DEFICIENCY. Identifiers: Orphanet 140905, MedGen C3151466, MONDO:0013533, OMIM 614025.

Allele frequency attached by ClinVar (database versions not stated): 1000 Genomes Project 30x 0.30169; 1000 Genomes Project 0.30351; TOPMed 0.40141; gnomAD 0.41373; ESP Exome Variant Server 0.42358; ExAC 0.42891.
gnomAD v4.1: 757,472 of 1,613,898 alleles (47%); highest among the groups gnomAD compares: Middle Eastern, 55%; 186,223 homozygotes.

Submissions (7):

Labcorp Genetics (formerly Invitae), Labcorp
Classification: Benign. Last evaluated: 2026-02-04. Review status: criteria provided, single submitter. Criteria: Invitae Variant Classification Sherloc (09022015). Collection method: clinical testing. Allele origin: germline.

Mayo Clinic Laboratories, Mayo Clinic
Classification: Benign. Last evaluated: 2022-04-26. Review status: criteria provided, single submitter. Criteria: ACMG Guidelines, 2015. Collection method: clinical testing. Allele origin: germline. Observed: 70 variant alleles.

GeneDx
Classification: Benign. Last evaluated: 2018-08-30. Review status: criteria provided, single submitter. Criteria: GeneDx Variant Classification Process June 2021. Collection method: clinical testing. Allele origin: germline. Affected: yes.

Illumina Laboratory Services, Illumina
Classification: Benign for Hyperlipidemia due to hepatic triglyceride lipase deficiency. Last evaluated: 2018-01-13. Review status: criteria provided, single submitter. Criteria: ICSL Variant Classification Criteria 13 December 2019. Collection method: clinical testing. Allele origin: germline.
Comment: This variant was observed in the ICSL laboratory as part of a predisposition screen in an ostensibly healthy population. It had not been previously curated by ICSL or reported in the Human Gene Mutation Database (HGMD: prior to June 1st, 2018), and was therefore a candidate for classification through an automated scoring system. Utilizing variant allele frequency, disease prevalence and penetrance estimates, and inheritance mode, an automated score was calculated to assess if this variant is too frequent to cause the disease. Based on the score and internal cut-off values, a variant classified as benign is not then subjected to further curation. The score for this variant resulted in a classification of benign for this disease.

Breakthrough Genomics
Classification: Benign. Review status: criteria provided, single submitter. Criteria: ACMG Guidelines, 2015. Collection method: not provided. Allele origin: germline. Inheritance: Autosomal recessive inheritance. Affected: yes.

Clinical Genetics, Academic Medical Center
Classification: Benign. Review status: no assertion criteria provided. Collection method: clinical testing. Allele origin: germline. Affected: yes. Study: VKGL Data-share Consensus. Not counted in ClinVar's aggregate classification.

Diagnostic Laboratory, Department of Genetics, University Medical Center Groningen
Classification: Benign. Review status: no assertion criteria provided. Collection method: clinical testing. Allele origin: germline. Affected: yes. Study: VKGL Data-share Consensus. Not counted in ClinVar's aggregate classification.